The following is an entry in ClinVar:

ClinVar aggregate classification (germline): Benign/Likely benign. Review status: criteria provided, multiple submitters, no conflicts (2 of 4 stars). 10 submissions from 10 submitters: Benign (4); Likely benign (3). 3 of the submissions do not count toward it. Last evaluated 2025-09-24.

Conditions:
Familial cancer of breast. Also called: Hereditary breast cancer; hereditary breast carcinoma; BREAST CANCER, FAMILIAL. Identifiers: Orphanet 227535, MedGen C0346153, MONDO:0016419, OMIM 114480. Disease mechanism: loss of function.
Breast-ovarian cancer, familial, susceptibility to, 1 (BROVCA1). Also called: OVARIAN CANCER, SUSCEPTIBILITY TO; BRCA1 Hereditary Breast and Ovarian Cancer. Identifiers: Orphanet 145, MedGen C2676676, MONDO:0011450, OMIM 604370. Disease mechanism: loss of function.
Fanconi anemia, complementation group S (FANCS). Identifiers: MedGen C4554406, MONDO:0054748, OMIM 617883.
Hereditary cancer-predisposing syndrome. Also called: Tumor predisposition; Neoplastic Syndromes, Hereditary; Hereditary Cancer Syndrome; Hereditary neoplastic syndrome. Identifiers: Orphanet 140162, MedGen C0027672, MeSH D009386, MONDO:0015356.
Breast and/or ovarian cancer. Identifiers: MedGen CN221562.
Hereditary breast ovarian cancer syndrome. Also called: Hereditary breast and ovarian cancer syndrome (HBOC); Hereditary breast and ovarian cancer syndrome; Hereditary breast and ovarian cancer; Hereditary breast and/or ovarian cancer syndrome; Breast and ovarian cancer; BRCA1- and BRCA2-Associated Hereditary Breast and Ovarian Cancer. Identifiers: Orphanet 145, MedGen C0677776, MeSH D061325, MONDO:0003582. Disease mechanism: loss of function.

Allele frequency attached by ClinVar (database versions not stated): ExAC 0.00001; gnomAD 0.00001; gnomAD exomes 0.00001; TOPMed 0.00003.
gnomAD v4.1: 5 of 1,606,904 alleles (0.00031%); highest among the groups gnomAD compares: Non-Finnish European, 0.00043%; no homozygotes.

Submissions (11):

Labcorp Genetics (formerly Invitae), Labcorp
Classification: Benign for Hereditary breast ovarian cancer syndrome. Last evaluated: 2025-09-24. Review status: criteria provided, single submitter. Criteria: Invitae Variant Classification Sherloc (09022015). Collection method: clinical testing. Allele origin: germline.

Women's Health and Genetics/Laboratory Corporation of America, LabCorp
Classification: Benign. Last evaluated: 2024-12-17. Review status: criteria provided, single submitter. Criteria: LabCorp Variant Classification Summary - May 2015. Collection method: clinical testing. Allele origin: germline.
Comment: Variant summary: BRCA1 c.5152+10A>G alters a non-conserved nucleotide located at a position not widely known to affect splicing. Consensus agreement among computation tools predict no significant impact on normal splicing. However, these predictions have yet to be confirmed by functional studies. The variant allele was found at a frequency of 1.2e-05 in 251170 control chromosomes. The available data on variant occurrences in the general population are insufficient to allow any conclusion about variant significance. c.5152+10A>G has been reported in the literature in individuals affected with Hereditary Breast And Ovarian Cancer Syndrome without strong evidence for causality. These report(s) do not provide unequivocal conclusions about association of the variant with Hereditary Breast And Ovarian Cancer Syndrome. At least one functional study reports experimental evidence evaluating an impact on protein function and showed no damaging effect of this variant on homology directed repair (HDR) activity (e.g. Findlay_2018). HDR assays qualify as a recognized gold standard on the basis of updated guidance provided by the ClinGen Sequence Variant Interpretation (SVI) working group. The following publications have been ascertained in the context of this evaluation (PMID: 30209399, 16267036, 22476429, 21394826). ClinVar contains an entry for this variant (Variation ID: 37641). Based on the evidence outlined above, the variant was classified as benign.

ARUP Laboratories, Molecular Genetics and Genomics, ARUP Laboratories
Classification: Benign. Last evaluated: 2024-07-24. Review status: criteria provided, single submitter. Criteria: ARUP Molecular Germline Variant Investigation Process 2024. Collection method: clinical testing. Allele origin: germline.

CHEO Genetics Diagnostic Laboratory, Children's Hospital of Eastern Ontario
Classification: Likely benign for Breast and/or ovarian cancer. Last evaluated: 2021-09-22. Review status: criteria provided, single submitter. Criteria: ACMG Guidelines, 2015. Collection method: clinical testing. Allele origin: germline.

Department of Pathology and Laboratory Medicine, Sinai Health System
Classification: Likely benign for Familial cancer of breast; Breast-ovarian cancer, familial, susceptibility to, 1; Fanconi anemia, complementation group S. Last evaluated: 2021-01-25. Review status: criteria provided, single submitter. Criteria: ACMG Guidelines, 2015. Collection method: clinical testing. Allele origin: germline.

Color Diagnostics, LLC DBA Color Health
Classification: Likely benign for Hereditary cancer-predisposing syndrome. Last evaluated: 2017-09-14. Review status: criteria provided, single submitter. Criteria: ACMG Guidelines, 2015. Collection method: clinical testing. Allele origin: germline.

GeneDx
Classification: Benign. Last evaluated: 2014-07-29. Review status: criteria provided, single submitter. Criteria: GeneDx Variant Classification (06012015). Collection method: clinical testing. Allele origin: germline. Affected: yes.
Comment: This variant is considered likely benign or benign based on one or more of the following criteria: it is a conservative change, it occurs at a poorly conserved position in the protein, it is predicted to be benign by multiple in silico algorithms, and/or has population frequency not consistent with disease.

Counsyl
Classification: Likely benign for Breast-ovarian cancer, familial, susceptibility to, 1. Last evaluated: 2017-01-30. Review status: no assertion criteria provided. Collection method: clinical testing. Allele origin: unknown. Not counted in ClinVar's aggregate classification.

Sharing Clinical Reports Project (SCRP)
Classification: Likely benign for Breast-ovarian cancer, familial 1. Last evaluated: 2011-05-24. Review status: no assertion criteria provided. Collection method: clinical testing. Allele origin: germline. Not counted in ClinVar's aggregate classification.

Breast Cancer Information Core (BIC) (BRCA1)
Classification: Uncertain significance for Breast-ovarian cancer, familial 1. Last evaluated: 2002-05-29. Review status: no assertion criteria provided. Collection method: clinical testing. Allele origin: germline. Affected: yes. Observed: 2 variant alleles. Not counted in ClinVar's aggregate classification.

Brotman Baty Institute, University of Washington
No classification provided (evidence only). Condition: Breast-ovarian cancer, familial 1. Review status: no classification provided. Collection method: in vitro. Allele origin: not applicable. Functional consequence: functionally_normal. Not counted in ClinVar's aggregate classification.
ClinVar note: "not provided" was previously submitted as the classification for the variant. However, the classification appeared to be based only on an observation of functional data so it was converted to no classification on 2025-07-30.

Literature cited by the submitters: PubMed 16267036 (cited by Women's Health and Genetics/Laboratory Corporation of America, LabCorp and Counsyl); PubMed 21394826 (cited by 3 submitters); PubMed 22476429 (cited by Women's Health and Genetics/Laboratory Corporation of America, LabCorp); PubMed 30209399 (cited by Women's Health and Genetics/Laboratory Corporation of America, LabCorp and Department of Pathology and Laboratory Medicine, Sinai Health System).

NM_007294.4(BRCA1):c.5152+10A>G

Gene: BRCA1 (BRCA1 DNA repair associated; minus strand). Cytogenetic location: 17q21.31.
Variant type: single nucleotide variant.
Coding change: c.5152+10A>G on transcript NM_007294.4 (MANE Select); 10 bases into the intron after coding-DNA position 5152, A replaced by G.
Molecular consequence: intron variant.
Genome position (GRCh38, 1-based): chr17:43,063,864, T>C on the plus strand (A>G on the coding strand, the complement: BRCA1 is on the minus strand). VCF-style: chr17-43063864-T-C. GRCh37 (hg19) VCF-style: chr17-41215881-T-C.
Other names: IVS18+10A>G; c.1699+10A>G (NM_001408458.1, NM_001408461.1, NM_001408464.1 and 7 more transcripts); c.4261+10A>G (NM_001407967.1); c.4771+10A>G (NM_001407959.1); c.4885+10A>G (NM_001407931.1, NM_001407932.1, NM_001407928.1 and 4 more transcripts); c.5008+10A>G (NM_001407747.1, NM_001407745.1, NM_001407737.1 and 21 more transcripts); c.4768+10A>G (NM_001407962.1, NM_001407960.1); c.1339+10A>G (NM_001408512.1); and 74 more.
Identifiers: ClinVar variation 37641 (VCV000037641.31), dbSNP rs80358114, ClinGen allele CA003277.
Genomic context (GRCh38, chr17:43,063,864, plus strand): 5'-TAAACGTTAGGTGTAAAAATGCAATTCTGAGGTGTTAAAGGGAGGAGGGGAGAAATAGTA[T>C]TATACTTACAGAAATAGCTAACTACCCATTTTCCTCCCGCAATTCCTAGAAAATATTTCA-3'